The following is an entry in ClinVar:

ClinVar aggregate classification (germline): Uncertain significance (1 of 4 stars; one submission).

Submission:

GeneDx
Classification: Uncertain significance. Last evaluated: 2019-07-11. Review status: criteria provided, single submitter. Criteria: GeneDx Variant Classification Process June 2021. Collection method: clinical testing. Allele origin: germline. Affected: yes.
Comment: Not observed in large population cohorts (Lek et al., 2016); In silico analysis, which includes protein predictors and evolutionary conservation, supports that this variant does not alter protein structure/function; Has not been previously published as pathogenic or benign to our knowledge

NM_001845.6(COL4A1):c.1900C>T (p.Pro634Ser)

Gene: COL4A1 (collagen type IV alpha 1 chain; minus strand). Cytogenetic location: 13q34.
Variant type: single nucleotide variant.
Coding change: c.1900C>T on transcript NM_001845.6 (MANE Select); coding-DNA position 1900, C replaced by T.
Protein change: p.Pro634Ser; replaces proline 634 with serine.
Molecular consequence: missense variant.
Genome position (GRCh38, 1-based): chr13:110,183,274, G>A on the plus strand (C>T on the coding strand, the complement: COL4A1 is on the minus strand). VCF-style: chr13-110183274-G-A. GRCh37 (hg19) VCF-style: chr13-110835621-G-A.
Other names: short protein forms P634S.
Identifiers: ClinVar variation 1315785 (VCV001315785.2), dbSNP rs908568872, ClinGen allele CA388722497.